The following is an entry in ClinVar:

ClinVar aggregate classification (germline): Uncertain significance. Review status: criteria provided, multiple submitters, no conflicts (2 of 4 stars). 2 submissions from 2 submitters: Uncertain significance (2). Last evaluated 2023-07-12.

Conditions:
Hereditary cancer-predisposing syndrome. Also called: Tumor predisposition; Hereditary neoplastic syndrome; Neoplastic Syndromes, Hereditary; Hereditary Cancer Syndrome. Identifiers: Orphanet 140162, MedGen C0027672, MeSH D009386, MONDO:0015356.
Hereditary nonpolyposis colorectal neoplasms. Identifiers: MedGen C0009405, MeSH D003123.

Submissions (2):

Ambry Genetics
Classification: Uncertain significance for Hereditary cancer-predisposing syndrome. Last evaluated: 2023-07-12. Review status: criteria provided, single submitter. Criteria: Ambry Variant Classification Scheme 2023. Collection method: clinical testing. Allele origin: germline.
Comment: The p.S403Y variant (also known as c.1208C>A), located in coding exon 11 of the PMS2 gene, results from a C to A substitution at nucleotide position 1208. The serine at codon 403 is replaced by tyrosine, an amino acid with dissimilar properties. This amino acid position is poorly conserved in available vertebrate species. In addition, this alteration is predicted to be tolerated by in silico analysis. Since supporting evidence is limited at this time, the clinical significance of this alteration remains unclear.

Labcorp Genetics (formerly Invitae), Labcorp
Classification: Uncertain significance for Hereditary nonpolyposis colorectal neoplasms. Last evaluated: 2021-06-07. Review status: criteria provided, single submitter. Criteria: Invitae Variant Classification Sherloc (09022015). Collection method: clinical testing. Allele origin: germline.
Comment: This variant has not been reported in the literature in individuals with PMS2-related conditions. In summary, the available evidence is currently insufficient to determine the role of this variant in disease. Therefore, it has been classified as a Variant of Uncertain Significance. Advanced modeling of protein sequence and biophysical properties (such as structural, functional, and spatial information, amino acid conservation, physicochemical variation, residue mobility, and thermodynamic stability) performed at Invitae indicates that this missense variant is not expected to disrupt PMS2 protein function. This variant is not present in population databases (ExAC no frequency). This sequence change replaces serine with tyrosine at codon 403 of the PMS2 protein (p.Ser403Tyr). The serine residue is weakly conserved and there is a large physicochemical difference between serine and tyrosine.

NM_000535.7(PMS2):c.1208C>A (p.Ser403Tyr)

Gene: PMS2 (PMS1 homolog 2, mismatch repair system component; minus strand). Cytogenetic location: 7p22.1.
Variant type: single nucleotide variant.
Coding change: c.1208C>A on transcript NM_000535.7 (MANE Select); coding-DNA position 1208, C replaced by A.
Protein change: p.Ser403Tyr; replaces serine 403 with tyrosine.
Molecular consequence: missense variant. On other transcripts: non-coding transcript variant (1).
Genome position (GRCh38, 1-based): chr7:5,987,557, G>T on the plus strand (C>A on the coding strand, the complement: PMS2 is on the minus strand). VCF-style: chr7-5987557-G-T. GRCh37 (hg19) VCF-style: chr7-6027188-G-T.
Other names: c.803C>A, p.Ser268Tyr (NM_001322003.2, NM_001322004.2, NM_001322005.2 and 1 more transcripts); c.1052C>A, p.Ser351Tyr (NM_001322006.2); c.890C>A, p.Ser297Tyr (NM_001322007.2, NM_001322008.2); c.647C>A, p.Ser216Tyr (NM_001322010.2); c.275C>A, p.Ser92Tyr (NM_001322011.2, NM_001322012.2); c.635C>A, p.Ser212Tyr (NM_001322013.2); c.1208C>A, p.Ser403Tyr (NM_001322014.2); c.899C>A, p.Ser300Tyr (NM_001322015.2); short protein forms S212Y, S351Y, S216Y, S403Y, S92Y, S268Y, S297Y, S300Y.
Identifiers: ClinVar variation 1428634 (VCV001428634.10), dbSNP rs1004189664, ClinGen allele CA366742562.